The following is an entry in ClinVar:

NM_000064.4(C3):c.1339A>G (p.Ser447Gly)

Gene: C3 (complement C3; minus strand). Cytogenetic location: 19p13.3.
Variant type: single nucleotide variant.
Coding change: c.1339A>G on transcript NM_000064.4 (MANE Select); coding-DNA position 1339, A replaced by G.
Protein change: p.Ser447Gly; replaces serine 447 with glycine.
Molecular consequence: missense variant.
Genome position (GRCh38, 1-based): chr19:6,711,127, T>C on the plus strand (A>G on the coding strand, the complement: C3 is on the minus strand). VCF-style: chr19-6711127-T-C. GRCh37 (hg19) VCF-style: chr19-6711138-T-C.
Other names: short protein forms S447G.
Identifiers: ClinVar variation 2851804 (VCV002851804.3), dbSNP rs2512262716, ClinGen allele CA403641092.

ClinVar aggregate classification (germline): Uncertain significance (1 of 4 stars; one submission).

Submission:

Labcorp Genetics (formerly Invitae), Labcorp
Classification: Uncertain significance. Last evaluated: 2023-04-03. Review status: criteria provided, single submitter. Criteria: Invitae Variant Classification Sherloc (09022015). Collection method: clinical testing. Allele origin: germline.
Comment: This variant has not been reported in the literature in individuals affected with C3-related conditions. In summary, the available evidence is currently insufficient to determine the role of this variant in disease. Therefore, it has been classified as a Variant of Uncertain Significance. Advanced modeling of protein sequence and biophysical properties (such as structural, functional, and spatial information, amino acid conservation, physicochemical variation, residue mobility, and thermodynamic stability) performed at Invitae indicates that this missense variant is not expected to disrupt C3 protein function. This variant is not present in population databases (gnomAD no frequency). This sequence change replaces serine, which is neutral and polar, with glycine, which is neutral and non-polar, at codon 447 of the C3 protein (p.Ser447Gly).